The following is an entry in ClinVar:

ClinVar aggregate classification (germline): Uncertain significance (1 of 4 stars; one submission).

Conditions:
Immunodeficiency 132A. Also called: Herpes simplex encephalitis, susceptibility to, 3. Identifiers: Orphanet 1930, MedGen C3553868, MONDO:0013920, OMIM 614849.

Allele frequency attached by ClinVar (database versions not stated): TOPMed below 0.00001; gnomAD 0.00001.
gnomAD v4.1: 1 of 1,613,986 alleles (0.000062%); highest among the groups gnomAD compares: African/African-American, 0.0013%; no homozygotes.

Submission:

Labcorp Genetics (formerly Invitae), Labcorp
Classification: Uncertain significance for Immunodeficiency 132A. Last evaluated: 2021-03-28. Review status: criteria provided, single submitter. Criteria: Invitae Variant Classification Sherloc (09022015). Collection method: clinical testing. Allele origin: germline.
Comment: This variant is not present in population databases (ExAC no frequency). This sequence change replaces proline with threonine at codon 10 of the TRAF3 protein (p.Pro10Thr). The proline residue is weakly conserved and there is a small physicochemical difference between proline and threonine. This variant has not been reported in the literature in individuals with TRAF3-related conditions. Algorithms developed to predict the effect of missense changes on protein structure and function (SIFT, PolyPhen-2, Align-GVGD) all suggest that this variant is likely to be tolerated, but these predictions have not been confirmed by published functional studies and their clinical significance is uncertain. In summary, the available evidence is currently insufficient to determine the role of this variant in disease. Therefore, it has been classified as a Variant of Uncertain Significance.

NM_145725.3(TRAF3):c.28C>A (p.Pro10Thr)

Gene: TRAF3 (TNF receptor associated factor 3; plus strand). Cytogenetic location: 14q32.32.
Variant type: single nucleotide variant.
Coding change: c.28C>A on transcript NM_145725.3 (MANE Select); coding-DNA position 28, C replaced by A.
Protein change: p.Pro10Thr; replaces proline 10 with threonine.
Molecular consequence: missense variant.
Genome position (GRCh38, 1-based): chr14:102,870,229, C>A. VCF-style: chr14-102870229-C-A. GRCh37 (hg19) VCF-style: chr14-103336566-C-A.
Other names: c.28C>A, p.Pro10Thr (NM_001199427.2, NM_001385142.1, NM_001385143.1 and 2 more transcripts); short protein forms P10T.
Identifiers: ClinVar variation 1431495 (VCV001431495.8), dbSNP rs1302170239, ClinGen allele CA391069551.